The following is an entry in ClinVar:

NM_007055.4(POLR3A):c.3839dup (p.Met1280fs)

Gene: POLR3A (RNA polymerase III subunit A; minus strand). Cytogenetic location: 10q22.3.
Variant type: Duplication.
Coding change: c.3839dup on transcript NM_007055.4 (MANE Select); coding-DNA position 3839, one base duplicated (T; older notation c.3839dupT).
Protein change: p.Met1280fs; shifts the reading frame from methionine 1280.
Molecular consequence: frameshift variant.
Genome position (GRCh38, 1-based): chr10:77,981,480, A duplicated on the plus strand (T on the coding strand, the reverse complement: POLR3A is on the minus strand). VCF-style (leftmost placement, unchanged base first): chr10-77981479-C-CA. GRCh37 (hg19) VCF-style: chr10-79741237-C-CA.
Other names: c.3839dupT (NM_007055.4); short protein forms M1280fs.
Identifiers: ClinVar variation 1027476 (VCV001027476.6), dbSNP rs2131926804, ClinGen allele CA2499220391.

ClinVar aggregate classification (germline): Pathogenic. Review status: criteria provided, multiple submitters, no conflicts (2 of 4 stars). 2 submissions from 2 submitters: Pathogenic (2). Last evaluated 2022-03-13.

Conditions:
Neonatal pseudo-hydrocephalic progeroid syndrome. Also called: Wiedemann-Rautenstrauch syndrome. Identifiers: Orphanet 3455, MedGen C0406586, MONDO:0009910, OMIM 264090.

Submissions (2):

Labcorp Genetics (formerly Invitae), Labcorp
Classification: Pathogenic. Last evaluated: 2022-03-13. Review status: criteria provided, single submitter. Criteria: Invitae Variant Classification Sherloc (09022015). Collection method: clinical testing. Allele origin: germline.
Comment: For these reasons, this variant has been classified as Pathogenic. ClinVar contains an entry for this variant (Variation ID: 1027476). This variant has not been reported in the literature in individuals affected with POLR3A-related conditions. This variant is not present in population databases (gnomAD no frequency). This sequence change creates a premature translational stop signal (p.Met1280Ilefs*20) in the POLR3A gene. It is expected to result in an absent or disrupted protein product. Loss-of-function variants in POLR3A are known to be pathogenic (PMID: 21855841, 25339210, 27612211, 30414627, 30450527).

Molecular Medicine for Neurodegenerative and Neuromuscular Diseases Unit, IRCCS Fondazione Stella Maris
Classification: Pathogenic for Neonatal pseudo-hydrocephalic progeroid syndrome. Last evaluated: 2021-01-04. Review status: criteria provided, single submitter. Criteria: ACMG Guidelines, 2015. Collection method: research. Allele origin: inherited. Affected: yes.

Literature cited by the submitters: PubMed 21855841 (cited by Labcorp Genetics (formerly Invitae), Labcorp); PubMed 25339210 (cited by Labcorp Genetics (formerly Invitae), Labcorp); PubMed 27612211 (cited by Labcorp Genetics (formerly Invitae), Labcorp); PubMed 30414627 (cited by Labcorp Genetics (formerly Invitae), Labcorp); PubMed 30450527 (cited by Labcorp Genetics (formerly Invitae), Labcorp).